The following is an entry in ClinVar:

NM_001199563.2(POPDC1):c.471G>T (p.Lys157Asn)

Gene: POPDC1 (popeye domain cAMP effector 1; minus strand). Cytogenetic location: 6q21.
Variant type: single nucleotide variant.
Coding change: c.471G>T on transcript NM_001199563.2 (MANE Select); coding-DNA position 471, G replaced by T.
Protein change: p.Lys157Asn; replaces lysine 157 with asparagine.
Molecular consequence: missense variant.
Genome position (GRCh38, 1-based): chr6:105,125,459, C>A on the plus strand (G>T on the coding strand, the complement: POPDC1 is on the minus strand). VCF-style: chr6-105125459-C-A. GRCh37 (hg19) VCF-style: chr6-105573334-C-A.
Other names: p.Lys157Asn; c.471G>T, p.Lys157Asn (NM_007073.4, NM_147147.4); c.471G>T (NM_001199563.1); short protein forms K157N.
Identifiers: ClinVar variation 2439603 (VCV002439603.5), dbSNP rs765386566, ClinGen allele CA145452063.

ClinVar aggregate classification (germline): Uncertain significance. Review status: criteria provided, multiple submitters, no conflicts (2 of 4 stars). 3 submissions from 3 submitters: Uncertain significance (3). Last evaluated 2024-07-17.

Conditions:
Autosomal recessive limb-girdle muscular dystrophy type 2X (LGMDR25). Also called: Muscular dystrophy, limb-girdle, type 2X. Identifiers: Orphanet 476084, MedGen C5568138, MONDO:0014782, OMIM 616812.
Inborn genetic diseases. Identifiers: MedGen C0950123, MeSH D030342.

Allele frequency attached by ClinVar (database versions not stated): gnomAD 0.00001; TOPMed 0.00002.
gnomAD v4.1: 36 of 1,614,036 alleles (0.0022%); highest among the groups gnomAD compares: Non-Finnish European, 0.0028%; no homozygotes.

Submissions (3):

Ambry Genetics
Classification: Uncertain significance for Inborn genetic diseases. Last evaluated: 2024-07-17. Review status: criteria provided, single submitter. Criteria: Ambry Variant Classification Scheme 2023. Collection method: clinical testing. Allele origin: germline.

Mayo Clinic Laboratories, Mayo Clinic
Classification: Uncertain significance. Last evaluated: 2022-02-25. Review status: criteria provided, single submitter. Criteria: ACMG Guidelines, 2015. Collection method: clinical testing. Allele origin: germline. Observed: 1 variant allele.
Comment: BP4, PM2

Revvity Omics, Revvity
Classification: Uncertain significance for Autosomal recessive limb-girdle muscular dystrophy type 2X. Last evaluated: 2019-05-03. Review status: criteria provided, single submitter. Criteria: ACMG Guidelines, 2015. Collection method: clinical testing. Allele origin: germline.